The following is an entry in ClinVar:

NC_000014.9:g.(?_95085228)_(95158422_?)dup

Gene: DICER1 (dicer 1, ribonuclease III; minus strand). Cytogenetic location: 14q32.13.
Variant type: Duplication.
Identifiers: ClinVar variation 833303 (VCV000833303.3).

ClinVar aggregate classification (germline): Uncertain significance (1 of 4 stars; one submission).

Conditions:
DICER1-related tumor predisposition. Also called: DICER1-related pleuropulmonary blastoma cancer predisposition syndrome; DICER1 syndrome. Identifiers: Orphanet 284343, MedGen C3839822, MONDO:0100216.

Submission:

Labcorp Genetics (formerly Invitae), Labcorp
Classification: Uncertain significance for DICER1-related tumor predisposition. Last evaluated: 2019-08-29. Review status: criteria provided, single submitter. Criteria: Invitae Variant Classification Sherloc (09022015). Collection method: clinical testing. Allele origin: germline.
Comment: This variant results in a copy number gain of the genomic region encompassing the full coding sequence of the DICER1 gene. The boundaries of this event are unknown as they extend beyond the assayed region for this gene and therefore may encompass additional genes. As the precise location of this event is unknown, it may be in tandem or it may be located elsewhere in the genome. This variant has not been reported in the literature in individuals with DICER1-related conditions. Experimental studies and prediction algorithms are not available or were not evaluated for this variant, and the functional significance of this variant is currently unknown. In summary, the available evidence is currently insufficient to determine the role of this variant in disease. Therefore, it has been classified as a Variant of Uncertain Significance.